The following is an entry in ClinVar:

NM_017433.5(MYO3A):c.4293+4T>G

Gene: MYO3A (myosin IIIA; plus strand). Cytogenetic location: 10p12.1.
Variant type: single nucleotide variant.
Coding change: c.4293+4T>G on transcript NM_017433.5 (MANE Select); 4 bases into the intron after coding-DNA position 4293, T replaced by G.
Molecular consequence: intron variant.
Genome position (GRCh38, 1-based): chr10:26,174,561, T>G. VCF-style: chr10-26174561-T-G. GRCh37 (hg19) VCF-style: chr10-26463490-T-G.
Identifiers: ClinVar variation 2870032 (VCV002870032.3), dbSNP rs1276541823, ClinGen allele CA592779950.
Genomic context (GRCh38, chr10:26,174,561, plus strand): 5'-GACTCGAAAGCAACTTCAGAAAGAGAAGCATGTGGTTTGGCAATTTTTTCAAAACAGGTA[T>G]GTGAATAAATAAATTTATTTACTAATAAAAGTCCCTGGGAACTATACAATAACTGAATTA-3'

ClinVar aggregate classification (germline): Uncertain significance (1 of 4 stars; one submission).

Allele frequency attached by ClinVar (database versions not stated): gnomAD exomes below 0.00001.
gnomAD v4.1: 2 of 1,610,082 alleles (0.00012%); highest among the groups gnomAD compares: Non-Finnish European, 0.00017%; no homozygotes.

Submission:

Labcorp Genetics (formerly Invitae), Labcorp
Classification: Uncertain significance. Last evaluated: 2024-06-17. Review status: criteria provided, single submitter. Criteria: Invitae Variant Classification Sherloc (09022015). Collection method: clinical testing. Allele origin: germline.
Comment: This sequence change falls in intron 30 of the MYO3A gene. It does not directly change the encoded amino acid sequence of the MYO3A protein. It affects a nucleotide within the consensus splice site. This variant is present in population databases (no rsID available, gnomAD 0.002%). This variant has not been reported in the literature in individuals affected with MYO3A-related conditions. Variants that disrupt the consensus splice site are a relatively common cause of aberrant splicing (PMID: 17576681, 9536098). Algorithms developed to predict the effect of sequence changes on RNA splicing suggest that this variant is not likely to affect RNA splicing. In summary, the available evidence is currently insufficient to determine the role of this variant in disease. Therefore, it has been classified as a Variant of Uncertain Significance.

Literature cited by the submitters: PubMed 17576681; PubMed 9536098.